The following is an entry in ClinVar:

NM_001165967.2(HES7):c.88C>A (p.Arg30Ser)

Gene: HES7 (hes family bHLH transcription factor 7; minus strand). Cytogenetic location: 17p13.1.
Variant type: single nucleotide variant.
Coding change: c.88C>A on transcript NM_001165967.2 (MANE Select); coding-DNA position 88, C replaced by A.
Protein change: p.Arg30Ser; replaces arginine 30 with serine.
Molecular consequence: missense variant.
Genome position (GRCh38, 1-based): chr17:8,123,081, G>T on the plus strand (C>A on the coding strand, the complement: HES7 is on the minus strand). VCF-style: chr17-8123081-G-T. GRCh37 (hg19) VCF-style: chr17-8026399-G-T.
Other names: c.88C>A, p.Arg30Ser (NM_032580.4); c.88C>A (NM_032580.3); short protein forms R30S.
Identifiers: ClinVar variation 1912430 (VCV001912430.5), dbSNP rs368880766, ClinGen allele CA8368719.

ClinVar aggregate classification (germline): Uncertain significance. Review status: criteria provided, multiple submitters, no conflicts (2 of 4 stars). 2 submissions from 2 submitters: Uncertain significance (2). Last evaluated 2023-06-02.

Conditions:
Inborn genetic diseases. Identifiers: MedGen C0950123, MeSH D030342.

Allele frequency attached by ClinVar (database versions not stated): ESP Exome Variant Server 0.00008.
gnomAD v4.1: 81 of 1,607,370 alleles (0.005%); highest among the groups gnomAD compares: Non-Finnish European, 0.0068%; no homozygotes.

Submissions (2):

Ambry Genetics
Classification: Uncertain significance for Inborn genetic diseases. Last evaluated: 2023-06-02. Review status: criteria provided, single submitter. Criteria: Ambry Variant Classification Scheme 2023. Collection method: clinical testing. Allele origin: germline.

Labcorp Genetics (formerly Invitae), Labcorp
Classification: Uncertain significance. Last evaluated: 2022-02-23. Review status: criteria provided, single submitter. Criteria: Invitae Variant Classification Sherloc (09022015). Collection method: clinical testing. Allele origin: germline.
Comment: In summary, the available evidence is currently insufficient to determine the role of this variant in disease. Therefore, it has been classified as a Variant of Uncertain Significance. Algorithms developed to predict the effect of missense changes on protein structure and function are either unavailable or do not agree on the potential impact of this missense change (SIFT: "Deleterious"; PolyPhen-2: "Benign"; Align-GVGD: "Class C15"). This variant has not been reported in the literature in individuals affected with HES7-related conditions. The frequency data for this variant in the population databases is considered unreliable, as metrics indicate poor data quality at this position in the gnomAD database. This sequence change replaces arginine, which is basic and polar, with serine, which is neutral and polar, at codon 30 of the HES7 protein (p.Arg30Ser).